The following is an entry in ClinVar:

ClinVar aggregate classification (germline): Uncertain significance (1 of 4 stars; one submission).

Allele frequency attached by ClinVar (database versions not stated): gnomAD exomes below 0.00001; ExAC 0.00001; gnomAD 0.00001; TOPMed 0.00001.
gnomAD v4.1: 3 of 1,614,026 alleles (0.00019%); highest among the groups gnomAD compares: African/African-American, 0.0013%; no homozygotes.

Submission:

Ambry Genetics
Classification: Uncertain significance. Last evaluated: 2024-09-01. Review status: criteria provided, single submitter. Criteria: Ambry Variant Classification Scheme 2023. Collection method: clinical testing. Allele origin: germline.
Comment: The p.A1177T variant (also known as c.3529G>A), located in coding exon 4 of the ALPK2 gene, results from a G to A substitution at nucleotide position 3529. The alanine at codon 1177 is replaced by threonine, an amino acid with similar properties. This amino acid position is conserved. In addition, this alteration is predicted to be tolerated by in silico analysis. Since supporting evidence is limited at this time, the clinical significance of this alteration remains unclear.

NM_052947.4(ALPK2):c.3529G>A (p.Ala1177Thr)

Gene: ALPK2 (alpha kinase 2; minus strand). Cytogenetic location: 18q21.31.
Variant type: single nucleotide variant.
Coding change: c.3529G>A on transcript NM_052947.4 (MANE Select); coding-DNA position 3529, G replaced by A.
Protein change: p.Ala1177Thr; replaces alanine 1177 with threonine.
Molecular consequence: missense variant.
Genome position (GRCh38, 1-based): chr18:58,536,658, C>T on the plus strand (G>A on the coding strand, the complement: ALPK2 is on the minus strand). VCF-style: chr18-58536658-C-T. GRCh37 (hg19) VCF-style: chr18-56203890-C-T.
Other names: short protein forms A1177T.
Identifiers: ClinVar variation 1732333 (VCV001732333.3), dbSNP rs757899771, ClinGen allele CA8976882.